The following is an entry in ClinVar:

NM_000179.3(MSH6):c.3801+4T>C

Gene: MSH6 (mutS homolog 6; plus strand). Cytogenetic location: 2p16.3.
Variant type: single nucleotide variant.
Coding change: c.3801+4T>C on transcript NM_000179.3 (MANE Select); 4 bases into the intron after coding-DNA position 3801, T replaced by C.
Molecular consequence: intron variant.
Genome position (GRCh38, 1-based): chr2:47,806,362, T>C. VCF-style: chr2-47806362-T-C. GRCh37 (hg19) VCF-style: chr2-48033501-T-C.
Other names: c.2895+4T>C (NM_001281493.2, NM_001281494.2); c.3411+4T>C (NM_001281492.2).
Identifiers: ClinVar variation 483776 (VCV000483776.21), dbSNP rs758830540, ClinGen allele CA072085.

ClinVar aggregate classification (germline): Conflicting classifications of pathogenicity. Review status: criteria provided, conflicting classifications (1 of 4 stars). 8 submissions from 8 submitters: Uncertain significance (2); Benign (1); Likely benign (4). 1 of the submissions does not count toward it. Last evaluated 2025-11-09.

Conditions:
Lynch syndrome. Identifiers: Orphanet 144, MedGen C4552100, MONDO:0005835. Disease mechanism: loss of function.
Hereditary cancer-predisposing syndrome. Also called: Neoplastic Syndromes, Hereditary; Tumor predisposition; Hereditary Cancer Syndrome; Hereditary neoplastic syndrome. Identifiers: Orphanet 140162, MedGen C0027672, MeSH D009386, MONDO:0015356.
Hereditary nonpolyposis colorectal neoplasms. Identifiers: MedGen C0009405, MeSH D003123.
MSH6-related disorder. Also called: MSH6-related condition; MSH6-Related disorders.

Allele frequency attached by ClinVar (database versions not stated): gnomAD exomes 0.00001 and 0.00006; gnomAD 0.00002; TOPMed 0.00004; ExAC 0.00006.
gnomAD v4.1: 13 of 1,614,030 alleles (0.00081%); highest among the groups gnomAD compares: East Asian, 0.027%; no homozygotes.

Submissions (8):

Labcorp Genetics (formerly Invitae), Labcorp
Classification: Benign for Hereditary nonpolyposis colorectal neoplasms. Last evaluated: 2025-11-09. Review status: criteria provided, single submitter. Criteria: Invitae Variant Classification Sherloc (09022015). Collection method: clinical testing. Allele origin: germline.

Department of Pathology and Laboratory Medicine, Sinai Health System
Classification: Uncertain significance for Lynch syndrome. Last evaluated: 2024-12-16. Review status: criteria provided, single submitter. Criteria: ACMG Guidelines, 2015. Collection method: clinical testing. Allele origin: germline. Affected: yes.

All of Us Research Program, National Institutes of Health
Classification: Likely benign for Lynch syndrome. Last evaluated: 2023-06-26. Review status: criteria provided, single submitter. Criteria: ACMG Guidelines, 2015. Collection method: clinical testing. Allele origin: germline. Inheritance: Autosomal dominant inheritance. Observed: 1 variant allele, 1 heterozygote.
Comment: This study involves interpretation of variants in research participants for the purpose of population health screening. Participant phenotype was not available at the time of variant classification. Additional details can be found in publication PMID: 35346344, PMCID: PMC8962531

Sema4
Classification: Likely benign for Hereditary cancer-predisposing syndrome. Last evaluated: 2021-08-10. Review status: criteria provided, single submitter. Criteria: Sema4 Curation Guidelines. Collection method: curation. Allele origin: germline.

Ambry Genetics
Classification: Likely benign for Hereditary cancer-predisposing syndrome. Last evaluated: 2020-09-25. Review status: criteria provided, single submitter. Criteria: Ambry Variant Classification Scheme 2023. Collection method: clinical testing. Allele origin: germline.

Women's Health and Genetics/Laboratory Corporation of America, LabCorp
Classification: Uncertain significance. Last evaluated: 2018-06-22. Review status: criteria provided, single submitter. Criteria: LabCorp Variant Classification Summary - May 2015. Collection method: clinical testing. Allele origin: germline.
Comment: Variant summary: MSH6 c.3801+4T>C alters a non-conserved nucleotide located close to a canonical splice site and therefore could affect mRNA splicing, leading to a significantly altered protein sequence. 5/5 computational tools predict no significant impact on normal splicing. However, these predictions have yet to be confirmed by functional studies. The variant allele was found at a frequency of 5.4e-05 in 276962 control chromosomes (gnomAD), exclusively found in the East Asian population at a frequency 5-fold higher than the maximal allele frequency expected for a pathogenic variant, suggesting the variant may be a benign polymorphism. To our knowledge, no occurrence of c.3801+4T>C in individuals affected with Lynch Syndrome and no experimental evidence demonstrating its impact on protein function have been reported. Three clinical diagnostic laboratories have submitted clinical-significance assessments for this variant to ClinVar after 2014 without evidence for independent evaluation (1 x likely benign, 2 x VUS). Based on the evidence outlined above, the variant was classified as VUS - possibly benign variant.

Color Diagnostics, LLC DBA Color Health
Classification: Likely benign for Hereditary cancer-predisposing syndrome. Last evaluated: 2016-10-25. Review status: criteria provided, single submitter. Criteria: ACMG Guidelines, 2015. Collection method: clinical testing. Allele origin: germline.

PreventionGenetics, part of Exact Sciences
Classification: Likely benign for MSH6-related condition. Last evaluated: 2022-12-27. Review status: no assertion criteria provided. Collection method: clinical testing. Allele origin: germline. Not counted in ClinVar's aggregate classification.
Comment: This variant is classified as likely benign based on ACMG/AMP sequence variant interpretation guidelines (Richards et al. 2015 PMID: 25741868, with internal and published modifications).